The following is an entry in ClinVar:

ClinVar aggregate classification (germline): Likely benign. Review status: criteria provided, multiple submitters, no conflicts (2 of 4 stars). 2 submissions from 2 submitters: Likely benign (2). Last evaluated 2025-09-12.

Conditions:
Oligodontia-cancer predisposition syndrome. Also called: TOOTH AGENESIS-COLORECTAL CANCER SYNDROME. Identifiers: Orphanet 300576, MedGen C1837750, MONDO:0012075, OMIM 608615. Disease mechanism: loss of function.

Submissions (2):

Labcorp Genetics (formerly Invitae), Labcorp
Classification: Likely benign for Oligodontia-cancer predisposition syndrome. Last evaluated: 2025-09-12. Review status: criteria provided, single submitter. Criteria: Invitae Variant Classification Sherloc (09022015). Collection method: clinical testing. Allele origin: germline.

Myriad Genetics, Inc.
Classification: Likely benign for Oligodontia-cancer predisposition syndrome. Last evaluated: 2024-07-01. Review status: criteria provided, single submitter. Criteria: Myriad Autosomal Dominant, Autosomal Recessive and X-Linked Classification Criteria (2023). Collection method: clinical testing. Allele origin: unknown.
Comment: This variant is considered likely benign. This variant is intronic and is not expected to impact mRNA splicing.

NM_004655.4(AXIN2):c.1200+7C>A

Gene: AXIN2 (axin 2; minus strand). Cytogenetic location: 17q24.1.
Variant type: single nucleotide variant.
Coding change: c.1200+7C>A on transcript NM_004655.4 (MANE Select); 7 bases into the intron after coding-DNA position 1200, C replaced by A.
Molecular consequence: intron variant.
Genome position (GRCh38, 1-based): chr17:65,538,196, G>T on the plus strand (C>A on the coding strand, the complement: AXIN2 is on the minus strand). VCF-style: chr17-65538196-G-T. GRCh37 (hg19) VCF-style: chr17-63534314-G-T.
Other names: c.1200+7C>A (NM_001363813.1).
Identifiers: ClinVar variation 3378954 (VCV003378954.2).